The following is an entry in ClinVar:

ClinVar aggregate classification (germline): Benign/Likely benign. Review status: criteria provided, multiple submitters, no conflicts (2 of 4 stars). 5 submissions from 5 submitters: Benign (1); Likely benign (3). 1 of the submissions does not count toward it. Last evaluated 2026-02-03.

Conditions:
Hereditary cancer-predisposing syndrome. Also called: Neoplastic Syndromes, Hereditary; Tumor predisposition; Hereditary Cancer Syndrome; Hereditary neoplastic syndrome. Identifiers: Orphanet 140162, MedGen C0027672, MeSH D009386, MONDO:0015356.
HOXB13-related disorder. Also called: HOXB13-related condition; HOXB13-related disorders.
Prostate cancer, hereditary, 9 (HPC9). Identifiers: Orphanet 1331, MedGen C1970250, MONDO:0012597, OMIM 610997.

Allele frequency attached by ClinVar (database versions not stated): ExAC 0.00002; gnomAD exomes 0.00003; gnomAD 0.00007 and 0.00009; TOPMed 0.00013; ESP Exome Variant Server 0.00015.
gnomAD v4.1: 44 of 1,613,958 alleles (0.0027%); highest among the groups gnomAD compares: African/African-American, 0.031%; no homozygotes.

Submissions (5):

Labcorp Genetics (formerly Invitae), Labcorp
Classification: Likely benign. Last evaluated: 2026-02-03. Review status: criteria provided, single submitter. Criteria: Invitae Variant Classification Sherloc (09022015). Collection method: clinical testing. Allele origin: germline.

Myriad Genetics, Inc.
Classification: Benign for Prostate cancer, hereditary, 9. Last evaluated: 2024-10-31. Review status: criteria provided, single submitter. Criteria: Myriad Autosomal Dominant, Autosomal Recessive and X-Linked Classification Criteria (2023). Collection method: clinical testing. Allele origin: unknown.
Comment: This variant is considered benign. This variant is a silent/synonymous amino acid change and it is not expected to impact splicing.

GeneDx
Classification: Likely benign. Last evaluated: 2018-05-31. Review status: criteria provided, single submitter. Criteria: GeneDx Variant Classification (06012015). Collection method: clinical testing. Allele origin: germline. Affected: yes.
Comment: This variant is considered likely benign or benign based on one or more of the following criteria: it is a conservative change, it occurs at a poorly conserved position in the protein, it is predicted to be benign by multiple in silico algorithms, and/or has population frequency not consistent with disease.

Ambry Genetics
Classification: Likely benign for Hereditary cancer-predisposing syndrome. Last evaluated: 2017-03-22. Review status: criteria provided, single submitter. Criteria: Ambry Variant Classification Scheme 2023. Collection method: clinical testing. Allele origin: germline.

PreventionGenetics, part of Exact Sciences
Classification: Likely benign for HOXB13-related condition. Last evaluated: 2023-05-04. Review status: no assertion criteria provided. Collection method: clinical testing. Allele origin: germline. Not counted in ClinVar's aggregate classification.
Comment: This variant is classified as likely benign based on ACMG/AMP sequence variant interpretation guidelines (Richards et al. 2015 PMID: 25741868, with internal and published modifications).

NM_006361.6(HOXB13):c.849C>T (p.Thr283=)

Gene: HOXB13 (homeobox B13; minus strand). Cytogenetic location: 17q21.32.
Variant type: single nucleotide variant.
Coding change: c.849C>T on transcript NM_006361.6 (MANE Select); coding-DNA position 849, C replaced by T.
Protein change: p.Thr283=; no amino-acid change (threonine 283 retained).
Molecular consequence: synonymous variant.
Genome position (GRCh38, 1-based): chr17:48,726,796, G>A on the plus strand (C>T on the coding strand, the complement: HOXB13 is on the minus strand). VCF-style: chr17-48726796-G-A. GRCh37 (hg19) VCF-style: chr17-46804158-G-A.
Identifiers: ClinVar variation 483493 (VCV000483493.18), dbSNP rs374736844, ClinGen allele CA8633897.
Genomic context (GRCh38, chr17:48,726,796, plus strand): 5'-GGTCTCCCCAGGACACCCCCACTTTCGCTCCTCCCACCCAGGCAAGGAGATCTCTTAAGG[G>A]GTAGCGCTGTTCTTCACCTTGGCGAGAACCTTCTTCTCTTTGACCCGGCGGTTCTGAAAC-3'
Protein context (NP_006352.2, residues 273-284): KVLAKVKNSA[Thr283=]P